The following is an entry in ClinVar:

ClinVar aggregate classification (germline): Uncertain significance (1 of 4 stars; one submission).

Submission:

Ambry Genetics
Classification: Uncertain significance. Last evaluated: 2024-10-08. Review status: criteria provided, single submitter. Criteria: Ambry Variant Classification Scheme 2023. Collection method: clinical testing. Allele origin: germline.
Comment: The p.K1393Q variant (also known as c.4177A>C), located in coding exon 29 of the MYOM1 gene, results from an A to C substitution at nucleotide position 4177. The lysine at codon 1393 is replaced by glutamine, an amino acid with similar properties. This amino acid position is conserved. In addition, the in silico prediction for this alteration is inconclusive. Based on the available evidence, the clinical significance of this variant remains unclear.

NM_003803.4(MYOM1):c.4177A>C (p.Lys1393Gln)

Gene: MYOM1 (myomesin 1; minus strand). Cytogenetic location: 18p11.31.
Variant type: single nucleotide variant.
Coding change: c.4177A>C on transcript NM_003803.4 (MANE Select); coding-DNA position 4177, A replaced by C.
Protein change: p.Lys1393Gln; replaces lysine 1393 with glutamine.
Molecular consequence: missense variant.
Genome position (GRCh38, 1-based): chr18:3,086,112, T>G on the plus strand (A>C on the coding strand, the complement: MYOM1 is on the minus strand). VCF-style: chr18-3086112-T-G. GRCh37 (hg19) VCF-style: chr18-3086110-T-G.
Other names: c.3889A>C, p.Lys1297Gln (NM_019856.2); short protein forms K1297Q, K1393Q.
Identifiers: ClinVar variation 3401858 (VCV003401858.1).
Genomic context (GRCh38, chr18:3,086,112, plus strand): 5'-GGGTACATATACCATCCTTAAAGTCATGCTTTTCATCCACTGATATCTCCCTCTCATCTT[T>G]GTACCACACAATATGAGTCTCCTTCTTAATATTTGCCACCTAGGAGAAAAACCATAATTA-3'
Protein context (NP_003794.3, residues 1383-1403): IKKETHIVWY[Lys1393Gln]DEREISVDEK